The following is an entry in ClinVar:

NM_024312.5(GNPTAB):c.1144A>G (p.Thr382Ala)

Gene: GNPTAB (N-acetylglucosamine-1-phosphate transferase subunits alpha and beta; minus strand). Cytogenetic location: 12q23.2.
Variant type: single nucleotide variant.
Coding change: c.1144A>G on transcript NM_024312.5 (MANE Select); coding-DNA position 1144, A replaced by G.
Protein change: p.Thr382Ala; replaces threonine 382 with alanine.
Molecular consequence: missense variant.
Genome position (GRCh38, 1-based): chr12:101,770,161, T>C on the plus strand (A>G on the coding strand, the complement: GNPTAB is on the minus strand). VCF-style: chr12-101770161-T-C. GRCh37 (hg19) VCF-style: chr12-102163939-T-C.
Other names: c.1144A>G (NM_024312.4); short protein forms T382A.
Identifiers: ClinVar variation 1982833 (VCV001982833.5), dbSNP rs112543062, ClinGen allele CA6746692.

ClinVar aggregate classification (germline): Conflicting classifications of pathogenicity. Review status: criteria provided, conflicting classifications (1 of 4 stars). 2 submissions from 2 submitters: Likely pathogenic (1); Uncertain significance (1). Last evaluated 2023-08-03.

Conditions:
Pseudo-Hurler polydystrophy. Also called: MUCOLIPIDOSIS IIIA; ML III; ML III ALPHA/BETA; Type III Mucolipidosis; ML IIIA; Mucolipidosis III Alpha/Beta. Identifiers: Orphanet 423461, Orphanet 577, MedGen C0033788, MONDO:0018931, OMIM 252600.
Mucolipidosis type II. Also called: Mucolipidosis II Alpha/Beta; ML II ALPHA/BETA; Mucolipidosis 2; ML 2; Inclusion cell disease; Leroy Disease. Identifiers: Orphanet 576, MedGen C2673377, MONDO:0009650, OMIM 252500.

Allele frequency attached by ClinVar (database versions not stated): gnomAD exomes 0.00001; TOPMed 0.00001; ExAC 0.00001.
gnomAD v4.1: 12 of 1,614,128 alleles (0.00074%); highest among the groups gnomAD compares: South Asian, 0.013%; no homozygotes.

Submissions (2):

Women's Health and Genetics/Laboratory Corporation of America, LabCorp
Classification: Uncertain significance. Last evaluated: 2023-08-03. Review status: criteria provided, single submitter. Criteria: LabCorp Variant Classification Summary - May 2015. Collection method: clinical testing. Allele origin: germline.
Comment: Variant summary: GNPTAB c.1144A>G (p.Thr382Ala) results in a non-conservative amino acid change located in the Stealth protein CR2 domain (IPR021520) of the encoded protein sequence. Five of five in-silico tools predict a damaging effect of the variant on protein function. The variant allele was found at a frequency of 1.2e-05 in 251434 control chromosomes (gnomAD). To our knowledge, no occurrence of c.1144A>G in individuals affected with Mucolipidosis and no experimental evidence demonstrating its impact on protein function have been reported. However, a different missense variant at this codon (p.Thr382Pro) has been classified as disease causing (HGMD:CM1825307, ClinVar:193739), indicating this residue may be clinically significant. One ClinVar submitter has assessed the variant since 2014, and classified the variant as likely pathogenic. Based on the evidence outlined above, the variant was classified as VUS-possibly pathogenic.

Labcorp Genetics (formerly Invitae), Labcorp
Classification: Likely pathogenic for Pseudo-Hurler polydystrophy; Mucolipidosis type II. Last evaluated: 2023-04-30. Review status: criteria provided, single submitter. Criteria: Invitae Variant Classification Sherloc (09022015). Collection method: clinical testing. Allele origin: germline.
Comment: ClinVar contains an entry for this variant (Variation ID: 1982833). In summary, the currently available evidence indicates that the variant is pathogenic, but additional data are needed to prove that conclusively. Therefore, this variant has been classified as Likely Pathogenic. This variant disrupts the p.Thr382 amino acid residue in GNPTAB. Other variant(s) that disrupt this residue have been determined to be pathogenic (PMID: 30882951, 32651481, 32746448). This suggests that this residue is clinically significant, and that variants that disrupt this residue are likely to be disease-causing. Advanced modeling of protein sequence and biophysical properties (such as structural, functional, and spatial information, amino acid conservation, physicochemical variation, residue mobility, and thermodynamic stability) performed at Invitae indicates that this missense variant is expected to disrupt GNPTAB protein function. This variant has not been reported in the literature in individuals affected with GNPTAB-related conditions. This variant is present in population databases (rs112543062, gnomAD 0.01%). This sequence change replaces threonine, which is neutral and polar, with alanine, which is neutral and non-polar, at codon 382 of the GNPTAB protein (p.Thr382Ala).

Literature cited by the submitters: PubMed 30882951 (cited by Labcorp Genetics (formerly Invitae), Labcorp); PubMed 32651481 (cited by Labcorp Genetics (formerly Invitae), Labcorp); PubMed 32746448 (cited by Labcorp Genetics (formerly Invitae), Labcorp).